The following is an entry in ClinVar:

NM_006206.6(PDGFRA):c.185C>G (p.Ser62Cys)

Gene: PDGFRA (platelet derived growth factor receptor alpha; plus strand). Cytogenetic location: 4q12.
Variant type: single nucleotide variant.
Coding change: c.185C>G on transcript NM_006206.6 (MANE Select); coding-DNA position 185, C replaced by G.
Protein change: p.Ser62Cys; replaces serine 62 with cysteine.
Molecular consequence: missense variant.
Genome position (GRCh38, 1-based): chr4:54,261,230, C>G. VCF-style: chr4-54261230-C-G. GRCh37 (hg19) VCF-style: chr4-55127397-C-G.
Other names: c.224C>G, p.Ser75Cys (NM_001347830.2); c.185C>G, p.Ser62Cys (NM_001347827.2, NM_001347829.2); c.260C>G, p.Ser87Cys (NM_001347828.2); short protein forms S75C, S87C, S62C.
Identifiers: ClinVar variation 3887333 (VCV003887333.2).

ClinVar aggregate classification (germline): Uncertain significance. Review status: criteria provided, multiple submitters, no conflicts (2 of 4 stars). 2 submissions from 2 submitters: Uncertain significance (2). Last evaluated 2025-05-11.

Conditions:
Hereditary cancer-predisposing syndrome. Also called: Neoplastic Syndromes, Hereditary; Tumor predisposition; Hereditary Cancer Syndrome; Hereditary neoplastic syndrome. Identifiers: Orphanet 140162, MedGen C0027672, MeSH D009386, MONDO:0015356.
Gastrointestinal stromal tumor. Also called: Gastrointestinal stromal tumor, somatic; Gastrointestinal stroma tumor. Identifiers: Orphanet 44890, MedGen C0238198, MeSH D046152, MONDO:0011719, OMIM 606764, HP:0100723.

Submissions (2):

Labcorp Genetics (formerly Invitae), Labcorp
Classification: Uncertain significance for Gastrointestinal stromal tumor. Last evaluated: 2025-05-11. Review status: criteria provided, single submitter. Criteria: Invitae Variant Classification Sherloc (09022015). Collection method: clinical testing. Allele origin: germline.
Comment: This sequence change replaces serine, which is neutral and polar, with cysteine, which is neutral and slightly polar, at codon 62 of the PDGFRA protein (p.Ser62Cys). This variant is not present in population databases (gnomAD no frequency). This variant has not been reported in the literature in individuals affected with PDGFRA-related conditions. Invitae Evidence Modeling of protein sequence and biophysical properties (such as structural, functional, and spatial information, amino acid conservation, physicochemical variation, residue mobility, and thermodynamic stability) indicates that this missense variant is not expected to disrupt PDGFRA protein function with a negative predictive value of 80%. In summary, the available evidence is currently insufficient to determine the role of this variant in disease. Therefore, it has been classified as a Variant of Uncertain Significance.

Ambry Genetics
Classification: Uncertain significance for Hereditary cancer-predisposing syndrome. Last evaluated: 2025-03-12. Review status: criteria provided, single submitter. Criteria: Ambry Variant Classification Scheme 2023. Collection method: clinical testing. Allele origin: germline.
Comment: The p.S62C variant (also known as c.185C>G), located in coding exon 2 of the PDGFRA gene, results from a C to G substitution at nucleotide position 185. The serine at codon 62 is replaced by cysteine, an amino acid with dissimilar properties. This amino acid position is conserved. In addition, this alteration is predicted to be tolerated by in silico analysis. Based on the available evidence, the clinical significance of this variant remains unclear.